The following is an entry in ClinVar:

ClinVar aggregate classification (germline): Pathogenic/Likely pathogenic. Review status: criteria provided, multiple submitters, no conflicts (2 of 4 stars). 3 submissions from 3 submitters: Pathogenic (1); Likely pathogenic (1). 1 of the submissions does not count toward it. Last evaluated 2023-11-19.

Conditions:
Peroxisome biogenesis disorder 5A (Zellweger) (PBD5A). Identifiers: Orphanet 912, MedGen C3553940, MONDO:0013932, OMIM 614866.
Peroxisome biogenesis disorder 5B (PBD5B). Identifiers: Orphanet 44, MedGen C3542026, MONDO:0013933, OMIM 614867.

Submissions (3):

Baylor Genetics
Classification: Likely pathogenic for Peroxisome biogenesis disorder 5A (Zellweger). Last evaluated: 2023-11-19. Review status: criteria provided, single submitter. Criteria: ACMG Guidelines, 2015. Collection method: clinical testing. Allele origin: unknown.

Labcorp Genetics (formerly Invitae), Labcorp
Classification: Pathogenic for Peroxisome biogenesis disorder 5A (Zellweger). Last evaluated: 2022-12-31. Review status: criteria provided, single submitter. Criteria: Invitae Variant Classification Sherloc (09022015). Collection method: clinical testing. Allele origin: germline.
Comment: This sequence change creates a premature translational stop signal (p.Arg119Metfs*3) in the PEX2 gene. While this is not anticipated to result in nonsense mediated decay, it is expected to disrupt the last 187 amino acid(s) of the PEX2 protein. For these reasons, this variant has been classified as Pathogenic. This variant disrupts a region of the PEX2 protein in which other variant(s) (p.Leu207Serfs*10) have been determined to be pathogenic (Invitae). This suggests that this is a clinically significant region of the protein, and that variants that disrupt it are likely to be disease-causing. ClinVar contains an entry for this variant (Variation ID: 554942). This variant has not been reported in the literature in individuals affected with PEX2-related conditions. This variant is not present in population databases (gnomAD no frequency).

Counsyl
Classification: Likely pathogenic for Peroxisome biogenesis disorder 5A (Zellweger); Peroxisome biogenesis disorder 5B. Last evaluated: 2017-11-09. Review status: no assertion criteria provided. Collection method: clinical testing. Allele origin: unknown. Not counted in ClinVar's aggregate classification.

NM_000318.3(PEX2):c.354_355del (p.Arg119fs)

Gene: PEX2 (peroxisomal biogenesis factor 2; minus strand). Cytogenetic location: 8q21.13.
Variant type: Deletion.
Coding change: c.354_355del on transcript NM_000318.3 (MANE Select); coding-DNA positions 354 to 355, 2 bases deleted (AC; older notation c.354_355delAC).
Protein change: p.Arg119fs; shifts the reading frame from arginine 119.
Molecular consequence: frameshift variant.
Genome position (GRCh38, 1-based): chr8:76,983,824-76,983,825, GT deleted on the plus strand (AC on the coding strand, the reverse complement: PEX2 is on the minus strand). VCF-style (leftmost placement, unchanged base first): chr8-76983823-CGT-C. GRCh37 (hg19) VCF-style: chr8-77896059-CGT-C.
Other names: c.354_355del, p.Arg119fs (NM_001079867.2, NM_001172086.2, NM_001172087.2); c.354_355delAC (NM_000318.2); c.354_355del (NM_000318.2); short protein forms R119fs.
Identifiers: ClinVar variation 554942 (VCV000554942.7), dbSNP rs1554584505, ClinGen allele CA658821646.